The following is an entry in ClinVar:

ClinVar aggregate classification (germline): Uncertain significance (1 of 4 stars; one submission).

Allele frequency attached by ClinVar (database versions not stated): ExAC 0.00001; gnomAD exomes 0.00001.

Submission:

Labcorp Genetics (formerly Invitae), Labcorp
Classification: Uncertain significance. Last evaluated: 2022-10-13. Review status: criteria provided, single submitter. Criteria: Invitae Variant Classification Sherloc (09022015). Collection method: clinical testing. Allele origin: germline.
Comment: This sequence change replaces isoleucine, which is neutral and non-polar, with valine, which is neutral and non-polar, at codon 755 of the MYO7A protein (p.Ile755Val). This variant is present in population databases (rs781892497, gnomAD 0.01%). This variant has not been reported in the literature in individuals affected with MYO7A-related conditions. Advanced modeling of protein sequence and biophysical properties (such as structural, functional, and spatial information, amino acid conservation, physicochemical variation, residue mobility, and thermodynamic stability) performed at Invitae indicates that this missense variant is not expected to disrupt MYO7A protein function. In summary, the available evidence is currently insufficient to determine the role of this variant in disease. Therefore, it has been classified as a Variant of Uncertain Significance.

NM_000260.4(MYO7A):c.2263A>G (p.Ile755Val)

Gene: MYO7A (myosin VIIA; plus strand). Cytogenetic location: 11q13.5.
Variant type: single nucleotide variant.
Coding change: c.2263A>G on transcript NM_000260.4 (MANE Select); coding-DNA position 2263, A replaced by G.
Protein change: p.Ile755Val; replaces isoleucine 755 with valine.
Molecular consequence: missense variant.
Genome position (GRCh38, 1-based): chr11:77,177,624, A>G. VCF-style: chr11-77177624-A-G. GRCh37 (hg19) VCF-style: chr11-76888670-A-G.
Other names: c.2263A>G, p.Ile755Val (NM_001127180.2); c.2230A>G, p.Ile744Val (NM_001369365.1); short protein forms I755V, I744V.
Identifiers: ClinVar variation 2157537 (VCV002157537.1), dbSNP rs781892497, ClinGen allele CA6197771.